The following is an entry in ClinVar:

ClinVar aggregate classification (germline): Likely benign. Review status: criteria provided, multiple submitters, no conflicts (2 of 4 stars). 5 submissions from 5 submitters: Likely benign (4). 1 of the submissions does not count toward it. Last evaluated 2025-09-15.

Conditions:
Cardiovascular phenotype. Identifiers: MedGen CN230736.
ABCG8-related disorder. Also called: ABCG8-related condition.

Allele frequency attached by ClinVar (database versions not stated): ExAC 0.00010; 1000 Genomes Project 30x 0.00016; 1000 Genomes Project 0.00020; gnomAD 0.00025; TOPMed 0.00028; ESP Exome Variant Server 0.00062.

Submissions (5):

Labcorp Genetics (formerly Invitae), Labcorp
Classification: Likely benign. Last evaluated: 2025-09-15. Review status: criteria provided, single submitter. Criteria: Invitae Variant Classification Sherloc (09022015). Collection method: clinical testing. Allele origin: germline.

Mayo Clinic Laboratories, Mayo Clinic
Classification: Likely benign. Last evaluated: 2024-10-29. Review status: criteria provided, single submitter. Criteria: ACMG Guidelines, 2015. Collection method: clinical testing. Allele origin: germline. Observed: 3 variant alleles.
Comment: BP4, BP7

Blueprint Genetics
Classification: Likely benign. Last evaluated: 2024-09-23. Review status: criteria provided, single submitter. Criteria: ACMG Guidelines, 2015. Collection method: clinical testing. Allele origin: germline.

Ambry Genetics
Classification: Likely benign for Cardiovascular phenotype. Last evaluated: 2019-05-25. Review status: criteria provided, single submitter. Criteria: Ambry Variant Classification Scheme 2023. Collection method: clinical testing. Allele origin: germline.

PreventionGenetics, part of Exact Sciences
Classification: Likely benign for ABCG8-related condition. Last evaluated: 2023-07-06. Review status: no assertion criteria provided. Collection method: clinical testing. Allele origin: germline. Not counted in ClinVar's aggregate classification.
Comment: This variant is classified as likely benign based on ACMG/AMP sequence variant interpretation guidelines (Richards et al. 2015 PMID: 25741868, with internal and published modifications).

NM_022437.3(ABCG8):c.570C>T (p.Asp190=)

Gene: ABCG8 (ATP binding cassette subfamily G member 8; plus strand). Cytogenetic location: 2p21.
Variant type: single nucleotide variant.
Coding change: c.570C>T on transcript NM_022437.3 (MANE Select); coding-DNA position 570, C replaced by T.
Protein change: p.Asp190=; no amino-acid change (aspartic acid 190 retained).
Molecular consequence: synonymous variant.
Genome position (GRCh38, 1-based): chr2:43,852,362, C>T. VCF-style: chr2-43852362-C-T. GRCh37 (hg19) VCF-style: chr2-44079501-C-T.
Other names: p.Asp190=; c.570C>T, p.Asp190= (NM_001357321.2).
Identifiers: ClinVar variation 1749209 (VCV001749209.9), dbSNP rs149143028, ClinGen allele CA1637074.
Genomic context (GRCh38, chr2:43,852,362, plus strand): 5'-CAGCCCTGAAGGAGGCCCCTGAGGTGGCCTCAAAGCTCCTTCTGGCCCACAGGTGGAGGA[C>T]GTGATCGCGGAGCTGCGGCTTAGGCAGTGCGCTGACACCCGCGTGGGCAACATGTACGTG-3'
Protein context (NP_071882.1, residues 180-200): SQAQRDKRVE[Asp190=]VIAELRLRQC